The following is an entry in ClinVar:

ClinVar aggregate classification (germline): Uncertain significance (1 of 4 stars; one submission).

Conditions:
HERC1-related disorder. Also called: HERC1-related condition.

Submission:

PreventionGenetics, part of Exact Sciences
Classification: Uncertain significance for HERC1-related condition. Last evaluated: 2023-02-17. Review status: criteria provided, single submitter. Criteria: ACMG Guidelines, 2015. Collection method: clinical testing. Allele origin: germline.
Comment: The HERC1 c.1052C>G variant is predicted to result in the amino acid substitution p.Ser351Trp. To our knowledge, this variant has not been reported in the literature or in a large population database, indicating this variant is rare. At this time, the clinical significance of this variant is uncertain due to the absence of conclusive functional and genetic evidence.

NM_003922.4(HERC1):c.1052C>G (p.Ser351Trp)

Gene: HERC1 (HECT and RLD domain containing E3 ubiquitin protein ligase family member 1; minus strand). Cytogenetic location: 15q22.31.
Variant type: single nucleotide variant.
Coding change: c.1052C>G on transcript NM_003922.4 (MANE Select); coding-DNA position 1052, C replaced by G.
Protein change: p.Ser351Trp; replaces serine 351 with tryptophan.
Molecular consequence: missense variant.
Genome position (GRCh38, 1-based): chr15:63,758,344, G>C on the plus strand (C>G on the coding strand, the complement: HERC1 is on the minus strand). VCF-style: chr15-63758344-G-C. GRCh37 (hg19) VCF-style: chr15-64050543-G-C.
Other names: short protein forms S351W.
Identifiers: ClinVar variation 2630250 (VCV002630250.1), dbSNP rs775881894, ClinGen allele CA392805161.